The following is an entry in ClinVar:

ClinVar aggregate classification (germline): Likely benign (0 of 4 stars; one submission).

Conditions:
SEMA3D-related disorder. Also called: SEMA3D-related condition.

Allele frequency attached by ClinVar (database versions not stated): TOPMed 0.00004; gnomAD 0.00005.
gnomAD v4.1: 16 of 1,608,816 alleles (0.00099%); highest among the groups gnomAD compares: African/African-American, 0.021%; no homozygotes.

Submission:

PreventionGenetics, part of Exact Sciences
Classification: Likely benign for SEMA3D-related condition. Last evaluated: 2022-02-07. Review status: no assertion criteria provided. Collection method: clinical testing. Allele origin: germline.
Comment: This variant is classified as likely benign based on ACMG/AMP sequence variant interpretation guidelines (Richards et al. 2015 PMID: 25741868, with internal and published modifications).

NM_001384900.1(SEMA3D):c.84C>T (p.Thr28=)

Gene: SEMA3D (semaphorin 3D; minus strand). Cytogenetic location: 7q21.11.
Variant type: single nucleotide variant.
Coding change: c.84C>T on transcript NM_001384900.1 (MANE Select); coding-DNA position 84, C replaced by T.
Protein change: p.Thr28=; no amino-acid change (threonine 28 retained).
Molecular consequence: synonymous variant.
Genome position (GRCh38, 1-based): chr7:85,121,808, G>A on the plus strand (C>T on the coding strand, the complement: SEMA3D is on the minus strand). VCF-style: chr7-85121808-G-A. GRCh37 (hg19) VCF-style: chr7-84751124-G-A.
Other names: c.84C>T, p.Thr28= (NM_001384901.1, NM_001384902.1, NM_001384903.1 and 1 more transcripts).
Identifiers: ClinVar variation 3030078 (VCV003030078.2), dbSNP rs907946637, ClinGen allele CA161943773.